The following is an entry in ClinVar:

NM_001197104.2(KMT2A):c.9692C>T (p.Thr3231Ile)

Gene: KMT2A (lysine methyltransferase 2A; plus strand). Cytogenetic location: 11q23.3.
Variant type: single nucleotide variant.
Coding change: c.9692C>T on transcript NM_001197104.2 (MANE Select); coding-DNA position 9692, C replaced by T.
Protein change: p.Thr3231Ile; replaces threonine 3231 with isoleucine.
Molecular consequence: missense variant.
Genome position (GRCh38, 1-based): chr11:118,505,584, C>T. VCF-style: chr11-118505584-C-T. GRCh37 (hg19) VCF-style: chr11-118376299-C-T.
Other names: c.9683C>T, p.Thr3228Ile (NM_005933.4); short protein forms T3228I, T3231I.
Identifiers: ClinVar variation 1464965 (VCV001464965.8), dbSNP rs2134407234, ClinGen allele CA382821418.
Genomic context (GRCh38, chr11:118,505,584, plus strand): 5'-GTACCACAGTAGCCACTCCATCCTCTGGACTCAAGAAAAGACCCATATCTCGTCTACAGA[C>T]CCGAAAGAATAAAAAACTTGCTCCCTCTAGTACCCCTTCAAACATTGCCCCTTCTGATGT-3'
Protein context (NP_001184033.1, residues 3221-3241): LKKRPISRLQ[Thr3231Ile]RKNKKLAPSS

ClinVar aggregate classification (germline): Uncertain significance (1 of 4 stars; one submission).

gnomAD v4.1: 1 of 1,614,078 alleles (0.000062%); no homozygotes.

Submission:

Labcorp Genetics (formerly Invitae), Labcorp
Classification: Uncertain significance. Last evaluated: 2025-03-18. Review status: criteria provided, single submitter. Criteria: Invitae Variant Classification Sherloc (09022015). Collection method: clinical testing. Allele origin: germline.
Comment: This sequence change replaces threonine, which is neutral and polar, with isoleucine, which is neutral and non-polar, at codon 3231 of the KMT2A protein (p.Thr3231Ile). This variant is not present in population databases (gnomAD no frequency). This variant has not been reported in the literature in individuals affected with KMT2A-related conditions. ClinVar contains an entry for this variant (Variation ID: 1464965). Invitae Evidence Modeling of protein sequence and biophysical properties (such as structural, functional, and spatial information, amino acid conservation, physicochemical variation, residue mobility, and thermodynamic stability) indicates that this missense variant is not expected to disrupt KMT2A protein function with a negative predictive value of 95%. In summary, the available evidence is currently insufficient to determine the role of this variant in disease. Therefore, it has been classified as a Variant of Uncertain Significance.